The following is an entry in ClinVar:

ClinVar aggregate classification (germline): Likely pathogenic (1 of 4 stars; one submission).

Conditions:
Sotos syndrome (SOTOS). Also called: CEREBRAL GIGANTISM; SOTOS SYNDROME 1; Sotos' syndrome; Distinctive facial appearance, overgrowth in childhood, and learning disabilities or delayed development; CHROMOSOME 5q35 DELETION SYNDROME. Identifiers: Orphanet 821, MedGen C0175695, MONDO:0019349, OMIM 117550.

Submission:

Institute of Human Genetics, University of Goettingen
Classification: Likely pathogenic for Sotos syndrome. Last evaluated: 2022-11-29. Review status: criteria provided, single submitter. Criteria: ACMG Guidelines, 2015. Collection method: clinical testing. Allele origin: unknown. Inheritance: Sporadic. Affected: yes. Observed: 1 variant allele, 1 heterozygote.
Comment: The variant c.4776del (p.(Cys1593Valfs*49)) in exon 13 of the NSD1 gene is not found in the gnomAD database and it creates a frame shift starting at codon Cys1593. The new reading frame ends in a STOP codon at position 49. ACMG criteria used for classification: PVS1, PM2.

NM_022455.5(NSD1):c.4776del (p.Cys1593fs)

Gene: NSD1 (nuclear receptor binding SET domain protein 1; plus strand). Cytogenetic location: 5q35.3.
Variant type: Deletion.
Coding change: c.4776del on transcript NM_022455.5 (MANE Select); coding-DNA position 4776, one base deleted (C; older notation c.4776delC).
Protein change: p.Cys1593fs; shifts the reading frame from cysteine 1593.
Molecular consequence: frameshift variant.
Genome position (GRCh38, 1-based): chr5:177,256,961, C deleted; the last of 2 consecutive C bases (chr5:177,256,960-177,256,961); deleting either gives the same sequence. VCF-style (leftmost placement, unchanged base first): chr5-177256959-AC-A. GRCh37 (hg19) VCF-style: chr5-176683960-AC-A.
Other names: c.3903delC, p.Cys1302Valfs (NM_001365684.2, NM_001409308.1, NM_001409309.1 and 1 more transcripts); c.4776delC, p.Cys1593Valfs (NM_001409301.1, NM_001409302.1, NM_001409303.1); c.4356delC, p.Cys1453Valfs (NM_001409304.1); c.4023delC, p.Cys1342Valfs (NM_001409305.1); c.4014delC, p.Cys1339Valfs (NM_001409306.1, NM_001409307.1); short protein forms C1324fs, C1593fs.
Identifiers: ClinVar variation 1801316 (VCV001801316.3), dbSNP rs2480663838, ClinGen allele CA2580074056.